The following is an entry in ClinVar:

ClinVar aggregate classification (germline): Uncertain significance. Review status: criteria provided, multiple submitters, no conflicts (2 of 4 stars). 2 submissions from 2 submitters: Uncertain significance (2). Last evaluated 2024-09-03.

Conditions:
Inborn genetic diseases. Identifiers: MedGen C0950123, MeSH D030342.

Allele frequency attached by ClinVar (database versions not stated): gnomAD exomes 0.00001; TOPMed 0.00001.
gnomAD v4.1: 16 of 1,613,990 alleles (0.00099%); highest among the groups gnomAD compares: East Asian, 0.0022%; no homozygotes.

Submissions (2):

Ambry Genetics
Classification: Uncertain significance for Inborn genetic diseases. Last evaluated: 2024-09-03. Review status: criteria provided, single submitter. Criteria: Ambry Variant Classification Scheme 2023. Collection method: clinical testing. Allele origin: germline.

Labcorp Genetics (formerly Invitae), Labcorp
Classification: Uncertain significance. Last evaluated: 2022-02-23. Review status: criteria provided, single submitter. Criteria: Invitae Variant Classification Sherloc (09022015). Collection method: clinical testing. Allele origin: germline.
Comment: This sequence change replaces serine, which is neutral and polar, with leucine, which is neutral and non-polar, at codon 278 of the ADAMTS10 protein (p.Ser278Leu). This variant is not present in population databases (gnomAD no frequency). This variant has not been reported in the literature in individuals affected with ADAMTS10-related conditions. Algorithms developed to predict the effect of missense changes on protein structure and function (SIFT, PolyPhen-2, Align-GVGD) all suggest that this variant is likely to be disruptive. In summary, the available evidence is currently insufficient to determine the role of this variant in disease. Therefore, it has been classified as a Variant of Uncertain Significance.

NM_030957.4(ADAMTS10):c.833C>T (p.Ser278Leu)

Gene: ADAMTS10 (ADAM metallopeptidase with thrombospondin type 1 motif 10; minus strand). Cytogenetic location: 19p13.2.
Variant type: single nucleotide variant.
Coding change: c.833C>T on transcript NM_030957.4 (MANE Select); coding-DNA position 833, C replaced by T.
Protein change: p.Ser278Leu; replaces serine 278 with leucine.
Molecular consequence: missense variant.
Genome position (GRCh38, 1-based): chr19:8,597,295, G>A on the plus strand (C>T on the coding strand, the complement: ADAMTS10 is on the minus strand). VCF-style: chr19-8597295-G-A. GRCh37 (hg19) VCF-style: chr19-8662179-G-A.
Other names: c.833C>T (NM_030957.2); short protein forms S278L.
Identifiers: ClinVar variation 1945829 (VCV001945829.3), dbSNP rs1555740514, ClinGen allele CA403756344.